The following is an entry in ClinVar:

NM_032119.4(ADGRV1):c.776dup (p.Asn259fs)

Gene: ADGRV1 (adhesion G protein-coupled receptor V1; plus strand). Cytogenetic location: 5q14.3.
Variant type: Duplication.
Coding change: c.776dup on transcript NM_032119.4 (MANE Select); coding-DNA position 776, one base duplicated (A; older notation c.776dupA).
Protein change: p.Asn259fs; shifts the reading frame from asparagine 259.
Molecular consequence: frameshift variant. On other transcripts: non-coding transcript variant (1).
Genome position (GRCh38, 1-based): chr5:90,627,314, A duplicated; the last of 5 consecutive A bases (chr5:90,627,310-90,627,314); duplicating any one gives the same sequence. VCF-style (leftmost placement, unchanged base first): chr5-90627309-G-GA. GRCh37 (hg19) VCF-style: chr5-89923126-G-GA.
Other names: short protein forms N259fs.
Identifiers: ClinVar variation 1074508 (VCV001074508.9), dbSNP rs1220886340, ClinGen allele CA2499217983.

ClinVar aggregate classification (germline): Pathogenic/Likely pathogenic. Review status: criteria provided, multiple submitters, no conflicts (2 of 4 stars). 2 submissions from 2 submitters: Pathogenic (1); Likely pathogenic (1). Last evaluated 2020-02-07.

Conditions:
Usher syndrome type 2C. Also called: Usher syndrome, type 2B; USHER SYNDROME, TYPE IIC. Identifiers: Orphanet 231178, Orphanet 886, MedGen C2931213, MONDO:0011558, OMIM 605472.

Submissions (2):

Labcorp Genetics (formerly Invitae), Labcorp
Classification: Pathogenic. Last evaluated: 2020-02-07. Review status: criteria provided, single submitter. Criteria: Invitae Variant Classification Sherloc (09022015). Collection method: clinical testing. Allele origin: germline.
Comment: This sequence change creates a premature translational stop signal (p.Asn259Lysfs*2) in the ADGRV1 gene. It is expected to result in an absent or disrupted protein product. Loss-of-function variants in ADGRV1 are known to be pathogenic (PMID: 19357117, 22135276, 22147658). For these reasons, this variant has been classified as Pathogenic. This variant is not present in population databases (ExAC no frequency). This variant has not been reported in the literature in individuals with ADGRV1-related conditions.

Juno Genomics, Hangzhou Juno Genomics, Inc
Classification: Likely pathogenic for Usher syndrome type 2C. Review status: criteria provided, single submitter. Criteria: ACMG Guidelines, 2015. Collection method: clinical testing. Allele origin: germline.
Comment: Null variant in a gene where loss of function (LOF) is a known mechanism of disease.;Absent from controls (or at extremely low frequency if recessive) in Genome Aggregation Database.

Literature cited by the submitters: PubMed 19357117 (cited by Labcorp Genetics (formerly Invitae), Labcorp); PubMed 22135276 (cited by Labcorp Genetics (formerly Invitae), Labcorp); PubMed 22147658 (cited by Labcorp Genetics (formerly Invitae), Labcorp).